The following is an entry in ClinVar:

NM_001379286.1(ZNF423):c.296C>T (p.Pro99Leu)

Gene: ZNF423 (zinc finger protein 423; minus strand). Cytogenetic location: 16q12.1.
Variant type: single nucleotide variant.
Coding change: c.296C>T on transcript NM_001379286.1 (MANE Select); coding-DNA position 296, C replaced by T.
Protein change: p.Pro99Leu; replaces proline 99 with leucine.
Molecular consequence: missense variant.
Genome position (GRCh38, 1-based): chr16:49,730,776, G>A on the plus strand (C>T on the coding strand, the complement: ZNF423 is on the minus strand). VCF-style: chr16-49730776-G-A. GRCh37 (hg19) VCF-style: chr16-49764687-G-A.
Other names: c.92C>T, p.Pro31Leu (NM_001271620.2); c.272C>T, p.Pro91Leu (NM_015069.5); short protein forms P99L, P91L, P31L.
Identifiers: ClinVar variation 964101 (VCV000964101.10), dbSNP rs553868296, ClinGen allele CA8046919.
Genomic context (GRCh38, chr16:49,730,776, plus strand): 5'-ATGTCCAATTACCCGTGTAACCACCTGTCAGAGTCCTGGGGCTGTTTTGCATTACCTCCA[G>A]GACAGCGGTGGGCCCGGTGGTCCGTCAGGTCTGCCAGAGACTCGAAGTCCTGCTGACAGT-3'
Protein context (NP_001366215.1, residues 89-109): DLTDHRAHRC[Pro99Leu]GDGDDDPQLS

ClinVar aggregate classification (germline): Uncertain significance. Review status: criteria provided, multiple submitters, no conflicts (2 of 4 stars). 3 submissions from 3 submitters: Uncertain significance (3). Last evaluated 2026-01-06.

Conditions:
Nephronophthisis 14 (NPHP14). Identifiers: Orphanet 2318, MedGen C3539071, MONDO:0013916, OMIM 614844.

Allele frequency attached by ClinVar (database versions not stated): ExAC 0.00002; gnomAD 0.00002 and 0.00004; gnomAD exomes 0.00003 and 0.00011; TOPMed 0.00004; 1000 Genomes Project 30x 0.00016; 1000 Genomes Project 0.00020.
gnomAD v4.1: 163 of 1,614,212 alleles (0.01%); highest among the groups gnomAD compares: Non-Finnish European, 0.013%; no homozygotes.

Submissions (3):

Labcorp Genetics (formerly Invitae), Labcorp
Classification: Uncertain significance for Nephronophthisis 14. Last evaluated: 2026-01-06. Review status: criteria provided, single submitter. Criteria: Invitae Variant Classification Sherloc (09022015). Collection method: clinical testing. Allele origin: germline.
Comment: This sequence change replaces proline, which is neutral and non-polar, with leucine, which is neutral and non-polar, at codon 91 of the ZNF423 protein (p.Pro91Leu). This variant is present in population databases (rs553868296, gnomAD 0.006%). This missense change has been observed in individual(s) with Joubert syndrome and related disorders (PMID: 33531950). ClinVar contains an entry for this variant (Variation ID: 964101). Invitae Evidence Modeling of protein sequence and biophysical properties (such as structural, functional, and spatial information, amino acid conservation, physicochemical variation, residue mobility, and thermodynamic stability) indicates that this missense variant is not expected to disrupt ZNF423 protein function with a negative predictive value of 80%. In summary, the available evidence is currently insufficient to determine the role of this variant in disease. Therefore, it has been classified as a Variant of Uncertain Significance.

Breakthrough Genomics
Classification: Uncertain significance. Review status: criteria provided, single submitter. Criteria: ACMG Guidelines, 2015. Collection method: not provided. Allele origin: germline. Inheritance: Autosomal recessive inheritance. Affected: yes.

Neuberg Centre For Genomic Medicine, NCGM
Classification: Uncertain significance for Nephronophthisis 14. Review status: criteria provided, single submitter. Criteria: ACMG Guidelines, 2015. Collection method: clinical testing. Allele origin: germline. Inheritance: Autosomal recessive inheritance. Affected: yes.
Comment: The missense variant c.296C>Tp.Pro99Leu in ZNF423 gene has not been reported previously as a pathogenic variant nor as a benign variant, to our knowledge. The variant is reported with 0.003% allele frequency in gnomAD Exomes and is novel not in any individuals in 1000 Genomes. This variant has been reported to the ClinVar database as Uncertain Significance.The amino acid Proline at position 99 is changed to a Leucine changing protein sequence and it might alter its composition and physico-chemical properties.The amino acid change p.Arg406Trp in ZNF423 is predicted as conserved by GERP++ and PhyloP across 100 vertebrates. For these reasons, this variant has been classified as Uncertain Significance.

Literature cited by the submitters: PubMed 33531950 (cited by Labcorp Genetics (formerly Invitae), Labcorp).